The following is an entry in ClinVar:

ClinVar aggregate classification (germline): Likely benign. Review status: criteria provided, multiple submitters, no conflicts (2 of 4 stars). 2 submissions from 2 submitters: Likely benign (2). Last evaluated 2026-04-14.

Conditions:
DICER1-related tumor predisposition. Also called: DICER1-related pleuropulmonary blastoma cancer predisposition syndrome; DICER1 syndrome. Identifiers: Orphanet 284343, MedGen C3839822, MONDO:0100216.

Allele frequency attached by ClinVar (database versions not stated): gnomAD 0.00003 and 0.00004; gnomAD exomes 0.00004 and 0.00001; ExAC 0.00006; 1000 Genomes Project 30x 0.00016; TOPMed 0.00004; 1000 Genomes Project 0.00020.
gnomAD v4.1: 25 of 1,597,114 alleles (0.0016%); highest among the groups gnomAD compares: African/African-American, 0.011%; no homozygotes.

Submissions (2):

Myriad Genetics, Inc.
Classification: Likely benign for DICER1-related tumor predisposition. Last evaluated: 2026-04-14. Review status: criteria provided, single submitter. Criteria: Myriad Autosomal Dominant, Autosomal Recessive and X-Linked Classification Criteria (2023). Collection method: clinical testing. Allele origin: unknown.
Comment: This variant is considered likely benign. This variant is intronic and is not expected to impact mRNA splicing.

Labcorp Genetics (formerly Invitae), Labcorp
Classification: Likely benign for DICER1-related tumor predisposition. Last evaluated: 2026-01-25. Review status: criteria provided, single submitter. Criteria: Invitae Variant Classification Sherloc (09022015). Collection method: clinical testing. Allele origin: germline.

NM_177438.3(DICER1):c.4207-7G>A

Gene: DICER1 (dicer 1, ribonuclease III; minus strand). Cytogenetic location: 14q32.13.
Variant type: single nucleotide variant.
Coding change: c.4207-7G>A on transcript NM_177438.3 (MANE Select); 7 bases into the intron before coding-DNA position 4207, G replaced by A.
Molecular consequence: intron variant.
Genome position (GRCh38, 1-based): chr14:95,096,720, C>T on the plus strand (G>A on the coding strand, the complement: DICER1 is on the minus strand). VCF-style: chr14-95096720-C-T. GRCh37 (hg19) VCF-style: chr14-95563057-C-T.
Other names: c.4207-7G>A (NM_001291628.2, NM_030621.4, NM_001271282.3 and 1 more transcripts).
Identifiers: ClinVar variation 477191 (VCV000477191.14), dbSNP rs561542587, ClinGen allele CA7330877.